The following is an entry in ClinVar:

NM_002485.5(NBN):c.5G>C (p.Trp2Ser)

Gene: NBN (nibrin; minus strand). Cytogenetic location: 8q21.3.
Variant type: single nucleotide variant.
Coding change: c.5G>C on transcript NM_002485.5 (MANE Select); coding-DNA position 5, G replaced by C.
Protein change: p.Trp2Ser; replaces tryptophan 2 with serine.
Molecular consequence: missense variant. On other transcripts: 5 prime UTR variant (1).
Genome position (GRCh38, 1-based): chr8:89,984,557, C>G on the plus strand (G>C on the coding strand, the complement: NBN is on the minus strand). VCF-style: chr8-89984557-C-G. GRCh37 (hg19) VCF-style: chr8-90996785-C-G.
Other names: c.-292G>C (NM_001024688.3); short protein forms W2S.
Identifiers: ClinVar variation 1751011 (VCV001751011.2), dbSNP rs1812244679, ClinGen allele CA371664219.

ClinVar aggregate classification (germline): Uncertain significance (1 of 4 stars; one submission).

Conditions:
Hereditary cancer-predisposing syndrome. Also called: Hereditary Cancer Syndrome; Hereditary neoplastic syndrome; Neoplastic Syndromes, Hereditary; Tumor predisposition. Identifiers: Orphanet 140162, MedGen C0027672, MeSH D009386, MONDO:0015356.

gnomAD v4.1: 1 of 1,613,194 alleles (0.000062%); highest among the groups gnomAD compares: Non-Finnish European, 0.000085%; no homozygotes.

Submission:

Ambry Genetics
Classification: Uncertain significance for Hereditary cancer-predisposing syndrome. Last evaluated: 2020-04-27. Review status: criteria provided, single submitter. Criteria: Ambry Variant Classification Scheme 2023. Collection method: clinical testing. Allele origin: germline.
Comment: The p.W2S variant (also known as c.5G>C), located in coding exon 1 of the NBN gene, results from a G to C substitution at nucleotide position 5. The tryptophan at codon 2 is replaced by serine, an amino acid with highly dissimilar properties. This amino acid position is highly conserved in available vertebrate species. In addition, this alteration is predicted to be deleterious by in silico analysis. Since supporting evidence is limited at this time, the clinical significance of this alteration remains unclear.